The following is an entry in ClinVar:

ClinVar aggregate classification (germline): Uncertain significance. Review status: criteria provided, multiple submitters, no conflicts (2 of 4 stars). 5 submissions from 5 submitters: Uncertain significance (4). 1 of the submissions does not count toward it. Last evaluated 2025-09-27.

Conditions:
LZTR1-related disorder. Also called: LZTR1-related disorders; LZTR1-related condition.
LZTR1-related schwannomatosis. Also called: Schwannomatosis 2; Schwannomatosis-2, susceptibility to. Identifiers: Orphanet 93921, MedGen C3810283, MONDO:0014299, OMIM 615670.
Hereditary cancer-predisposing syndrome. Also called: Neoplastic Syndromes, Hereditary; Hereditary Cancer Syndrome; Tumor predisposition; Hereditary neoplastic syndrome. Identifiers: Orphanet 140162, MedGen C0027672, MeSH D009386, MONDO:0015356.
Cardiovascular phenotype. Identifiers: MedGen CN230736.

Allele frequency attached by ClinVar (database versions not stated): gnomAD exomes 0.00001 and 0.00003; TOPMed 0.00001; ExAC 0.00003.

Submissions (5):

Labcorp Genetics (formerly Invitae), Labcorp
Classification: Uncertain significance. Last evaluated: 2025-09-27. Review status: criteria provided, single submitter. Criteria: Invitae Variant Classification Sherloc (09022015). Collection method: clinical testing. Allele origin: germline.
Comment: This sequence change replaces glycine, which is neutral and non-polar, with glutamic acid, which is acidic and polar, at codon 169 of the LZTR1 protein (p.Gly169Glu). This variant is present in population databases (rs751873839, gnomAD 0.02%). This variant has not been reported in the literature in individuals affected with LZTR1-related conditions. ClinVar contains an entry for this variant (Variation ID: 1378213). Invitae Evidence Modeling of protein sequence and biophysical properties (such as structural, functional, and spatial information, amino acid conservation, physicochemical variation, residue mobility, and thermodynamic stability) indicates that this missense variant is not expected to disrupt LZTR1 protein function with a negative predictive value of 80%. In summary, the available evidence is currently insufficient to determine the role of this variant in disease. Therefore, it has been classified as a Variant of Uncertain Significance.

GeneDx
Classification: Uncertain significance. Last evaluated: 2025-04-28. Review status: criteria provided, single submitter. Criteria: GeneDx Variant Classification Process June 2021. Collection method: clinical testing. Allele origin: germline. Affected: yes.
Comment: In silico analysis supports that this missense variant has a deleterious effect on protein structure/function; Has not been previously published as pathogenic or benign to our knowledge

Ambry Genetics
Classification: Uncertain significance for Cardiovascular phenotype; Hereditary cancer-predisposing syndrome. Last evaluated: 2023-12-26. Review status: criteria provided, single submitter. Criteria: Ambry Variant Classification Scheme 2023. Collection method: clinical testing. Allele origin: germline.
Comment: The p.G169E variant (also known as c.506G>A), located in coding exon 5 of the LZTR1 gene, results from a G to A substitution at nucleotide position 506. The glycine at codon 169 is replaced by glutamic acid, an amino acid with similar properties. This amino acid position is highly conserved in available vertebrate species. In addition, the in silico prediction for this alteration is inconclusive. Since supporting evidence is limited at this time, the clinical significance of this alteration remains unclear.

Baylor Genetics
Classification: Uncertain significance for LZTR1-related schwannomatosis. Last evaluated: 2023-10-09. Review status: criteria provided, single submitter. Criteria: ACMG Guidelines, 2015. Collection method: clinical testing. Allele origin: unknown.

PreventionGenetics, part of Exact Sciences
Classification: Uncertain significance for LZTR1-related condition. Last evaluated: 2024-09-24. Review status: no assertion criteria provided. Collection method: clinical testing. Allele origin: germline. Not counted in ClinVar's aggregate classification.
Comment: The LZTR1 c.506G>A variant is predicted to result in the amino acid substitution p.Gly169Glu. To our knowledge, this variant has not been reported in the literature. This variant is reported in 0.020% of alleles in individuals of Latino descent in gnomAD. At this time, the clinical significance of this variant is uncertain due to the absence of conclusive functional and genetic evidence.

NM_006767.4(LZTR1):c.506G>A (p.Gly169Glu)

Gene: LZTR1 (leucine zipper like post translational regulator 1; plus strand). Cytogenetic location: 22q11.21.
Variant type: single nucleotide variant.
Coding change: c.506G>A on transcript NM_006767.4 (MANE Select); coding-DNA position 506, G replaced by A.
Protein change: p.Gly169Glu; replaces glycine 169 with glutamic acid.
Molecular consequence: missense variant.
Genome position (GRCh38, 1-based): chr22:20,988,115, G>A. VCF-style: chr22-20988115-G-A. GRCh37 (hg19) VCF-style: chr22-21342404-G-A.
Other names: short protein forms G169E.
Identifiers: ClinVar variation 1378213 (VCV001378213.13), dbSNP rs751873839, ClinGen allele CA10118449.